The following is an entry in ClinVar:

NM_203446.3(SYNJ1):c.851G>A (p.Arg284Lys)

Gene: SYNJ1 (synaptojanin 1; minus strand). Cytogenetic location: 21q22.11.
Variant type: single nucleotide variant.
Coding change: c.851G>A on transcript NM_203446.3 (MANE Select); coding-DNA position 851, G replaced by A.
Protein change: p.Arg284Lys; replaces arginine 284 with lysine.
Molecular consequence: missense variant.
Genome position (GRCh38, 1-based): chr21:32,688,306, C>T on the plus strand (G>A on the coding strand, the complement: SYNJ1 is on the minus strand). VCF-style: chr21-32688306-C-T. GRCh37 (hg19) VCF-style: chr21-34060616-C-T.
Other names: c.851G>A, p.Arg284Lys (NM_001160302.2, NM_001160306.2); c.968G>A, p.Arg323Lys (NM_003895.4); short protein forms R323K, R284K.
Identifiers: ClinVar variation 521749 (VCV000521749.55), dbSNP rs565013600, ClinGen allele CA10004028.
Genomic context (GRCh38, chr21:32,688,306, plus strand): 5'-CAAGCAGTCCCACTGCTTAGCAATATCAAAACTTAAAGCACTATGTAAAAATTGTCTTAC[C>T]TGTCAAAAGCAGGTGCATTGGCTTCAAATCCCCTTGACATACGGACACGATGAGATCCCA-3'
Protein context (NP_982271.3, residues 274-294): GFEANAPAFD[Arg284Lys]HFRTLKNLYG

ClinVar aggregate classification (germline): Conflicting classifications of pathogenicity. Review status: criteria provided, conflicting classifications (1 of 4 stars). 4 submissions from 4 submitters: Uncertain significance (2); Likely benign (2). Last evaluated 2025-12-09.

Conditions:
Early-onset Parkinson disease 20. Also called: PARKINSON DISEASE 20, AUTOSOMAL RECESSIVE EARLY-ONSET. Identifiers: Orphanet 391411, MedGen C3809824, MONDO:0014233, OMIM 615530.
Developmental and epileptic encephalopathy, 53. Also called: Epileptic encephalopathy, early infantile, 53. Identifiers: MedGen C4479313, MONDO:0033362, OMIM 617389.
Inborn genetic diseases. Identifiers: MedGen C0950123, MeSH D030342.

Allele frequency attached by ClinVar (database versions not stated): gnomAD below 0.00001 and 0.00006; gnomAD exomes 0.00012 and 0.00027; ExAC 0.00033; 1000 Genomes Project 30x 0.00094; 1000 Genomes Project 0.00100.
gnomAD v4.1: 191 of 1,613,110 alleles (0.012%); highest among the groups gnomAD compares: South Asian, 0.19%; 3 homozygotes.

Submissions (4):

Labcorp Genetics (formerly Invitae), Labcorp
Classification: Likely benign for Developmental and epileptic encephalopathy, 53; Early-onset Parkinson disease 20. Last evaluated: 2025-12-09. Review status: criteria provided, single submitter. Criteria: Invitae Variant Classification Sherloc (09022015). Collection method: clinical testing. Allele origin: germline.

Ambry Genetics
Classification: Likely benign for Inborn genetic diseases. Last evaluated: 2024-11-01. Review status: criteria provided, single submitter. Criteria: Ambry Variant Classification Scheme 2023. Collection method: clinical testing. Allele origin: germline.

Athena Diagnostics
Classification: Uncertain significance. Last evaluated: 2024-03-07. Review status: criteria provided, single submitter. Criteria: Athena Diagnostics Criteria. Collection method: clinical testing. Allele origin: unknown.
Comment: Available data are insufficient to determine the clinical significance of the variant at this time. The frequency of this variant in the general population is higher than would generally be expected for pathogenic variants in this gene. Computational tools yielded predictions that this variant may interfere with normal RNA splicing.

CeGaT Center for Human Genetics Tuebingen
Classification: Uncertain significance. Last evaluated: 2019-03-01. Review status: criteria provided, single submitter. Criteria: CeGaT Center For Human Genetics Tuebingen Variant Classification Criteria Version 2. Collection method: clinical testing. Allele origin: germline. Affected: yes. Observed: 1 variant allele.

Literature cited by the submitters: PubMed 11413010 (cited by Ambry Genetics); PubMed 28518168 (cited by Ambry Genetics); PubMed 32461654 (cited by Ambry Genetics).